The following is an entry in ClinVar:

ClinVar aggregate classification (germline): Conflicting classifications of pathogenicity. Review status: criteria provided, conflicting classifications (1 of 4 stars). 5 submissions from 5 submitters: Uncertain significance (4); Likely benign (1). Last evaluated 2025-07-09.

Conditions:
Familial hypercholesterolemia. Also called: Familial hypercholesterolemias; Familial hypercholesterolaemia. Identifiers: MedGen C0020445, MONDO:0005439.
Cardiovascular phenotype. Identifiers: MedGen CN230736.
Hypercholesterolemia, autosomal dominant, 3 (FHCL3). Also called: Familial Hypercholesterolemia, Autosomal Dominant, 3; PCSK9-Related Familial Hypercholesterolemia, Autosomal Dominant; Familial hypercholesterolemia 3. Identifiers: MedGen C1863551, MONDO:0011369, OMIM 603776.

Allele frequency attached by ClinVar (database versions not stated): gnomAD exomes 0.00002; ExAC 0.00003; gnomAD 0.00006; TOPMed 0.00006.

Submissions (5):

Labcorp Genetics (formerly Invitae), Labcorp
Classification: Uncertain significance for Hypercholesterolemia, autosomal dominant, 3. Last evaluated: 2025-07-09. Review status: criteria provided, single submitter. Criteria: Invitae Variant Classification Sherloc (09022015). Collection method: clinical testing. Allele origin: germline.
Comment: This sequence change replaces proline, which is neutral and non-polar, with serine, which is neutral and polar, at codon 56 of the PCSK9 protein (p.Pro56Ser). The frequency data for this variant in the population databases is considered unreliable, as metrics indicate poor data quality at this position in the gnomAD database. This variant has not been reported in the literature in individuals affected with PCSK9-related conditions. ClinVar contains an entry for this variant (Variation ID: 630139). Invitae Evidence Modeling of protein sequence and biophysical properties (such as structural, functional, and spatial information, amino acid conservation, physicochemical variation, residue mobility, and thermodynamic stability) indicates that this missense variant is not expected to disrupt PCSK9 protein function with a negative predictive value of 95%. In summary, the available evidence is currently insufficient to determine the role of this variant in disease. Therefore, it has been classified as a Variant of Uncertain Significance.

Ambry Genetics
Classification: Likely benign for Cardiovascular phenotype. Last evaluated: 2024-11-12. Review status: criteria provided, single submitter. Criteria: Ambry Variant Classification Scheme 2023. Collection method: clinical testing. Allele origin: germline.

All of Us Research Program, National Institutes of Health
Classification: Uncertain significance for Hypercholesterolemia, autosomal dominant, 3. Last evaluated: 2024-08-06. Review status: criteria provided, single submitter. Criteria: ACMG Guidelines, 2015. Collection method: clinical testing. Allele origin: germline. Inheritance: Autosomal dominant inheritance. Observed: 14 variant alleles, 14 heterozygotes.
Comment: This missense variant replaces proline with serine at codon 56 of the PCSK9 protein. Computational prediction suggests that this variant may not impact protein structure and function (internally defined REVEL score threshold <= 0.5, PMID: 27666373). To our knowledge, functional studies have not been reported for this variant. This variant has not been reported in individuals affected with familial hypercholesterolemia in the literature. This variant has been identified in 5/222382 chromosomes in the general population by the Genome Aggregation Database (gnomAD). The available evidence is insufficient to determine the role of this variant in disease conclusively. Therefore, this variant is classified as a Variant of Uncertain Significance.

This study involves interpretation of variants in research participants for the purpose of population health screening. Participant phenotype was not available at the time of variant classification. Additional details can be found in publication PMID: 35346344, PMCID: PMC8962531

Color Diagnostics, LLC DBA Color Health
Classification: Uncertain significance for Familial hypercholesterolemia. Last evaluated: 2024-03-06. Review status: criteria provided, single submitter. Criteria: ACMG Guidelines, 2015. Collection method: clinical testing. Allele origin: germline.
Comment: This missense variant replaces proline with serine at codon 56 of the PCSK9 protein. Computational prediction tools indicate that this variant has a neutral impact on protein structure and function. To our knowledge, functional studies have not been reported for this variant. This variant has not been reported in individuals affected with PCSK9-related disorders in the literature. This variant has been identified in 5/222382 chromosomes in the general population by the Genome Aggregation Database (gnomAD). The available evidence is insufficient to determine the role of this variant in disease conclusively. Therefore, this variant is classified as a Variant of Uncertain Significance.

Fulgent Genetics
Classification: Uncertain significance for Hypercholesterolemia, autosomal dominant, 3. Last evaluated: 2021-10-28. Review status: criteria provided, single submitter. Criteria: ACMG Guidelines, 2015. Collection method: clinical testing. Allele origin: unknown.

NM_174936.4(PCSK9):c.166C>T (p.Pro56Ser)

Gene: PCSK9 (proprotein convertase subtilisin/kexin type 9; plus strand). Cytogenetic location: 1p32.3.
Variant type: single nucleotide variant.
Coding change: c.166C>T on transcript NM_174936.4 (MANE Select); coding-DNA position 166, C replaced by T.
Protein change: p.Pro56Ser; replaces proline 56 with serine.
Molecular consequence: missense variant.
Genome position (GRCh38, 1-based): chr1:55,040,003, C>T. VCF-style: chr1-55040003-C-T. GRCh37 (hg19) VCF-style: chr1-55505676-C-T.
Other names: short protein forms P56S.
Identifiers: ClinVar variation 630139 (VCV000630139.16), dbSNP rs775521571, ClinGen allele CA038279.